The following is an entry in ClinVar:

NM_017841.4(SDHAF2):c.149T>C (p.Ile50Thr)

Gene: SDHAF2 (succinate dehydrogenase complex assembly factor 2; plus strand). Cytogenetic location: 11q12.2.
Variant type: single nucleotide variant.
Coding change: c.149T>C on transcript NM_017841.4 (MANE Select); coding-DNA position 149, T replaced by C.
Protein change: p.Ile50Thr; replaces isoleucine 50 with threonine.
Molecular consequence: missense variant.
Genome position (GRCh38, 1-based): chr11:61,437,737, T>C. VCF-style: chr11-61437737-T-C. GRCh37 (hg19) VCF-style: chr11-61205209-T-C.
Other names: short protein forms I50T.
Identifiers: ClinVar variation 3793578 (VCV003793578.1).

ClinVar aggregate classification (germline): Uncertain significance (1 of 4 stars; one submission).

Conditions:
Hereditary cancer-predisposing syndrome. Also called: Neoplastic Syndromes, Hereditary; Hereditary Cancer Syndrome; Tumor predisposition; Hereditary neoplastic syndrome. Identifiers: Orphanet 140162, MedGen C0027672, MeSH D009386, MONDO:0015356.

Submission:

Ambry Genetics
Classification: Uncertain significance for Hereditary cancer-predisposing syndrome. Last evaluated: 2025-03-06. Review status: criteria provided, single submitter. Criteria: Ambry Variant Classification Scheme 2023. Collection method: clinical testing. Allele origin: germline.
Comment: The p.I50T variant (also known as c.149T>C), located in coding exon 2 of the SDHAF2 gene, results from a T to C substitution at nucleotide position 149. The isoleucine at codon 50 is replaced by threonine, an amino acid with similar properties. This amino acid position is conserved. In addition, this alteration is predicted to be deleterious by in silico analysis. Based on the available evidence, the clinical significance of this variant remains unclear.